The following is an entry in ClinVar:

NM_003660.4(PPFIA3):c.1521-2A>G

Gene: PPFIA3 (PTPRF interacting protein alpha 3; plus strand). Cytogenetic location: 19q13.33.
Variant type: single nucleotide variant.
Coding change: c.1521-2A>G on transcript NM_003660.4 (MANE Select); the canonical splice acceptor site of the intron before coding-DNA position 1521, A replaced by G.
Molecular consequence: splice acceptor variant.
Genome position (GRCh38, 1-based): chr19:49,135,777, A>G. VCF-style: chr19-49135777-A-G. GRCh37 (hg19) VCF-style: chr19-49639034-A-G.
Identifiers: ClinVar variation 3359328 (VCV003359328.1).
Genomic context (GRCh38, chr19:49,135,777, plus strand): 5'-CCCTTACCTCTGTGCTCTTTTCCTGACCCCTTGGTCTCTGACTGCTTTCCTCATGCCCAC[A>G]GGTCTCTCCCTGGCAGTGCCCTGGAGCTCCGTTACTCTCAGGCACCCACTTTACCTTCTG-3'

ClinVar aggregate classification (germline): Uncertain significance (1 of 4 stars; one submission).

Submission:

GeneDx
Classification: Uncertain significance. Last evaluated: 2023-06-02. Review status: criteria provided, single submitter. Criteria: GeneDx Variant Classification Process June 2021. Collection method: clinical testing. Allele origin: germline. Affected: yes.
Comment: Not observed at significant frequency in large population cohorts (gnomAD); Canonical splice site variant in a gene or region of a gene for which loss of function is not a well-established mechanism of disease; Has not been previously published as pathogenic or benign to our knowledge; Variants in candidate genes are classified as variants of uncertain significance in accordance with ACMG guidelines (Richards et al., 2015)